The following is an entry in ClinVar:

ClinVar aggregate classification (germline): Likely pathogenic. Review status: reviewed by expert panel (3 of 4 stars). 3 submissions from 3 submitters: Likely pathogenic (1). 2 of the submissions do not count toward it. Last evaluated 2026-10-15.

Conditions:
Atypical chronic myeloid leukemia, BCR-ABL1 negative (ACML). Also called: Atypical chronic myeloid leukemia. Identifiers: Orphanet 98824, MedGen C1292772, MONDO:0004653.
Hereditary thrombocytopenia and hematologic cancer predisposition syndrome. Identifiers: Orphanet 71290, MedGen CN281654, MONDO:0011071.
RUNX1-related disorder. Also called: RUNX1-related condition.

Submissions (3):

ClinGen Myeloid Malignancy Variant Curation Expert Panel
Classification: Likely pathogenic for Hereditary thrombocytopenia and hematologic cancer predisposition syndrome. Last evaluated: 2026-10-15. Review status: reviewed by expert panel. Criteria: ClinGen MyeloMalig ACMG Specifications V3.1. Collection method: curation. Allele origin: germline. Inheritance: Autosomal dominant inheritance.
Comment: NM_001754.5(RUNX1):c.1256_1262dup (p.Glu422fs) is a frameshift variant which is not predicted to undergo NMD (PVS1_Strong). This variant is downstream of c.98 (PM5_Supporting) and is completely absent from all population databases with at least 20x coverage for RUNX1 (PM2_Supporting). In summary, this variant meets criteria to be classified as likely pathogenic. ACMG/AMP criteria applied, as specified by the ClinGen Myeloid Malignancy Variant Curation Expert Panel for RUNX1: PVS1_Strong, PM5_Supporting, PM2_Supporting.

Blueprint Genetics
Classification: Likely pathogenic for RUNX1-related disorders. Last evaluated: 2021-03-26. Review status: criteria provided, single submitter. Criteria: ACMG Guidelines, 2015. Collection method: clinical testing. Allele origin: germline. Affected: yes. Observed: 1 variant allele. Not counted in ClinVar's aggregate classification.

Institute of Laboratory Medicine, Hospital Wels-Grieskirchen
Classification: Pathogenic for Atypical chronic myeloid leukemia, BCR-ABL1 negative. Last evaluated: 2022-04-20. Review status: no assertion criteria provided. Collection method: clinical testing. Allele origin: somatic. Affected: yes. Not counted in ClinVar's aggregate classification.

NM_001754.5(RUNX1):c.1256_1262dup (p.Glu422fs)

Gene: RUNX1 (RUNX family transcription factor 1; minus strand). Cytogenetic location: 21q22.12.
Variant type: Duplication.
Coding change: c.1256_1262dup on transcript NM_001754.5 (MANE Select); coding-DNA positions 1256 to 1262, 7 bases duplicated (TGGGCGG; older notation c.1256_1262dupTGGGCGG).
Protein change: p.Glu422fs; shifts the reading frame from glutamic acid 422.
Molecular consequence: frameshift variant.
Genome position (GRCh38, 1-based): chr21:34,792,316-34,792,322, CCGCCCA duplicated on the plus strand (TGGGCGG on the coding strand, the reverse complement: RUNX1 is on the minus strand); duplicating any 7 consecutive bases within chr21:34,792,316-34,792,324 gives the same sequence; the c. name uses the placement nearest the transcript's 3' end. VCF-style (leftmost placement, unchanged base first): chr21-34792315-G-GCCGCCCA. GRCh37 (hg19) VCF-style: chr21-36164612-G-GCCGCCCA.
Other names: NM_001754.5(RUNX1):c.1256_1262dup; p.Glu422fs; c.1175_1181dup, p.Glu395fs (NM_001001890.3); c.1256_1262dup (NM_001754.4); short protein forms E395fs, E422fs.
Identifiers: ClinVar variation 2504110 (VCV002504110.5), dbSNP rs2516817630, ClinGen allele CA2580616385.